The following is an entry in ClinVar:

NM_014712.3(SETD1A):c.194G>A (p.Cys65Tyr)

Gene: SETD1A (SET domain containing 1A, histone lysine methyltransferase; plus strand). Cytogenetic location: 16p11.2.
Variant type: single nucleotide variant.
Coding change: c.194G>A on transcript NM_014712.3 (MANE Select); coding-DNA position 194, G replaced by A.
Protein change: p.Cys65Tyr; replaces cysteine 65 with tyrosine.
Molecular consequence: missense variant.
Genome position (GRCh38, 1-based): chr16:30,959,134, G>A. VCF-style: chr16-30959134-G-A. GRCh37 (hg19) VCF-style: chr16-30970455-G-A.
Other names: short protein forms C65Y.
Identifiers: ClinVar variation 2578069 (VCV002578069.2), dbSNP rs2543833730, ClinGen allele CA395646446.
Genomic context (GRCh38, chr16:30,959,134, plus strand): 5'-GCTGCTTTCCTTCCTAGGACTCAAAGTATATACCAGTCGAAGACCTCCAAGACCCCCGTT[G>A]CCATGTCAGGTCCAAAAACAGAGACTTTTCCCTCCCAGTCCCTAAGTTTAAGGTAAGTGT-3'
Protein context (NP_055527.1, residues 55-75): IPVEDLQDPR[Cys65Tyr]HVRSKNRDFS

ClinVar aggregate classification (germline): Uncertain significance (1 of 4 stars; one submission).

Submission:

GeneDx
Classification: Uncertain significance. Last evaluated: 2026-07-16. Review status: criteria provided, single submitter. Criteria: GeneDx Variant Classification Process June 2021. Collection method: clinical testing. Allele origin: germline.
Comment: Not observed at significant frequency in large population cohorts (gnomAD); In silico analysis supports that this missense variant has a deleterious effect on protein structure/function; Has not been previously published as pathogenic or benign to our knowledge